The following is an entry in ClinVar:

NM_000481.4(AMT):c.443G>T (p.Cys148Phe)

Gene: AMT (aminomethyltransferase; minus strand). Cytogenetic location: 3p21.31.
Variant type: single nucleotide variant.
Coding change: c.443G>T on transcript NM_000481.4 (MANE Select); coding-DNA position 443, G replaced by T.
Protein change: p.Cys148Phe; replaces cysteine 148 with phenylalanine.
Molecular consequence: missense variant. On other transcripts: non-coding transcript variant (1), intron variant (1).
Genome position (GRCh38, 1-based): chr3:49,420,239, C>A on the plus strand (G>T on the coding strand, the complement: AMT is on the minus strand). VCF-style: chr3-49420239-C-A. GRCh37 (hg19) VCF-style: chr3-49457672-C-A.
Other names: c.443G>T (NM_000481.3); c.275G>T, p.Cys92Phe (NM_001164711.2); c.443G>T, p.Cys148Phe (NM_001164712.2); c.340-451G>T (NM_001164710.2); short protein forms C148F, C92F.
Identifiers: ClinVar variation 1511344 (VCV001511344.4), dbSNP rs140697432, ClinGen allele CA2398370.

ClinVar aggregate classification (germline): Uncertain significance. Review status: criteria provided, multiple submitters, no conflicts (2 of 4 stars). 2 submissions from 2 submitters: Uncertain significance (2). Last evaluated 2025-05-16.

Conditions:
Glycine encephalopathy. Also called: Nonketotic hyperglycinemia; Non-ketotic hyperglycinemia. Identifiers: Orphanet 407, MedGen C0751748, MONDO:0011612, HP:0008288.
Inborn genetic diseases. Identifiers: MedGen C0950123, MeSH D030342.

Allele frequency attached by ClinVar (database versions not stated): gnomAD exomes below 0.00001 and 0.00001; gnomAD 0.00001; ExAC 0.00002; TOPMed 0.00004; ESP Exome Variant Server 0.00015.
gnomAD v4.1: 8 of 1,614,114 alleles (0.0005%); highest among the groups gnomAD compares: African/African-American, 0.0067%; no homozygotes.

Submissions (2):

Ambry Genetics
Classification: Uncertain significance for Inborn genetic diseases. Last evaluated: 2025-05-16. Review status: criteria provided, single submitter. Criteria: Ambry Variant Classification Scheme 2023. Collection method: clinical testing. Allele origin: germline.

Labcorp Genetics (formerly Invitae), Labcorp
Classification: Uncertain significance for Glycine encephalopathy. Last evaluated: 2022-11-01. Review status: criteria provided, single submitter. Criteria: Invitae Variant Classification Sherloc (09022015). Collection method: clinical testing. Allele origin: germline.
Comment: This sequence change replaces cysteine, which is neutral and slightly polar, with phenylalanine, which is neutral and non-polar, at codon 148 of the AMT protein (p.Cys148Phe). This variant is present in population databases (rs140697432, gnomAD 0.02%). This variant has not been reported in the literature in individuals affected with AMT-related conditions. ClinVar contains an entry for this variant (Variation ID: 1511344). Advanced modeling of protein sequence and biophysical properties (such as structural, functional, and spatial information, amino acid conservation, physicochemical variation, residue mobility, and thermodynamic stability) performed at Invitae indicates that this missense variant is expected to disrupt AMT protein function. In summary, the available evidence is currently insufficient to determine the role of this variant in disease. Therefore, it has been classified as a Variant of Uncertain Significance.